The following is an entry in ClinVar:

NM_020376.4(PNPLA2):c.235C>T (p.Arg79Trp)

Gene: PNPLA2 (patatin like domain 2, triacylglycerol lipase; plus strand). Cytogenetic location: 11p15.5.
Variant type: single nucleotide variant.
Coding change: c.235C>T on transcript NM_020376.4 (MANE Select); coding-DNA position 235, C replaced by T.
Protein change: p.Arg79Trp; replaces arginine 79 with tryptophan.
Molecular consequence: missense variant.
Genome position (GRCh38, 1-based): chr11:821,675, C>T. VCF-style: chr11-821675-C-T. GRCh37 (hg19) VCF-style: chr11-821675-C-T.
Other names: short protein forms R79W.
Identifiers: ClinVar variation 465788 (VCV000465788.12), dbSNP rs371871714, ClinGen allele CA5790926.
Genomic context (GRCh38, chr11:821,675, plus strand): 5'-CCCTGTGCCCCAGGTGAGGCTGGTGCCAAGTTCATTGAGGTATCTAAAGAGGCCCGGAAG[C>T]GGTTCCTGGGCCCCCTGCACCCCTCCTTCAACCTGGTAAAGATCATCCGCAGTTTCCTGC-3'
Protein context (NP_065109.1, residues 69-89): FIEVSKEARK[Arg79Trp]FLGPLHPSFN

ClinVar aggregate classification (germline): Uncertain significance. Review status: criteria provided, multiple submitters, no conflicts (2 of 4 stars). 3 submissions from 3 submitters: Uncertain significance (3). Last evaluated 2023-12-22.

Conditions:
Inborn genetic diseases. Identifiers: MedGen C0950123, MeSH D030342.
Neutral lipid storage myopathy (NLSDM). Also called: NEUTRAL LIPID STORAGE DISEASE WITHOUT ICHTHYOSIS. Identifiers: Orphanet 98908, MedGen C1853136, MONDO:0012545, OMIM 610717.

Allele frequency attached by ClinVar (database versions not stated): gnomAD exomes 0.00002; ExAC 0.00003; TOPMed 0.00006; ESP Exome Variant Server 0.00008; gnomAD 0.00009 and 0.00010; 1000 Genomes Project 30x 0.00016; 1000 Genomes Project 0.00020.

Submissions (3):

Labcorp Genetics (formerly Invitae), Labcorp
Classification: Uncertain significance for Neutral lipid storage myopathy. Last evaluated: 2023-12-22. Review status: criteria provided, single submitter. Criteria: Invitae Variant Classification Sherloc (09022015). Collection method: clinical testing. Allele origin: germline.
Comment: This sequence change replaces arginine, which is basic and polar, with tryptophan, which is neutral and slightly polar, at codon 79 of the PNPLA2 protein (p.Arg79Trp). This variant is present in population databases (rs371871714, gnomAD 0.006%). This variant has not been reported in the literature in individuals affected with PNPLA2-related conditions. ClinVar contains an entry for this variant (Variation ID: 465788). Advanced modeling of protein sequence and biophysical properties (such as structural, functional, and spatial information, amino acid conservation, physicochemical variation, residue mobility, and thermodynamic stability) performed at Invitae indicates that this missense variant is expected to disrupt PNPLA2 protein function with a positive predictive value of 80%. In summary, the available evidence is currently insufficient to determine the role of this variant in disease. Therefore, it has been classified as a Variant of Uncertain Significance.

Ambry Genetics
Classification: Uncertain significance for Inborn genetic diseases. Last evaluated: 2022-08-17. Review status: criteria provided, single submitter. Criteria: Ambry Variant Classification Scheme 2023. Collection method: clinical testing. Allele origin: germline.

Revvity Omics, Revvity
Classification: Uncertain significance for Neutral lipid storage myopathy. Last evaluated: 2019-09-24. Review status: criteria provided, single submitter. Criteria: ACMG Guidelines, 2015. Collection method: clinical testing. Allele origin: germline.